The following is an entry in ClinVar:

ClinVar aggregate classification (germline): Uncertain significance (1 of 4 stars; one submission).

Submission:

Labcorp Genetics (formerly Invitae), Labcorp
Classification: Uncertain significance. Last evaluated: 2024-08-13. Review status: criteria provided, single submitter. Criteria: Invitae Variant Classification Sherloc (09022015). Collection method: clinical testing. Allele origin: germline.
Comment: This sequence change falls in intron 3 of the FH gene. It does not directly change the encoded amino acid sequence of the FH protein. This variant is not present in population databases (gnomAD no frequency). This variant has not been reported in the literature in individuals affected with FH-related conditions. Algorithms developed to predict the effect of sequence changes on RNA splicing suggest that this variant may disrupt the consensus splice site. In summary, the available evidence is currently insufficient to determine the role of this variant in disease. Therefore, it has been classified as a Variant of Uncertain Significance.

NM_000143.4(FH):c.379-15A>G

Gene: FH (fumarate hydratase; minus strand). Cytogenetic location: 1q43.
Variant type: single nucleotide variant.
Coding change: c.379-15A>G on transcript NM_000143.4 (MANE Select); 15 bases into the intron before coding-DNA position 379, A replaced by G.
Molecular consequence: intron variant.
Genome position (GRCh38, 1-based): chr1:241,512,158, T>C on the plus strand (A>G on the coding strand, the complement: FH is on the minus strand). VCF-style: chr1-241512158-T-C. GRCh37 (hg19) VCF-style: chr1-241675458-T-C.
Identifiers: ClinVar variation 3664893 (VCV003664893.2).